The following is an entry in ClinVar:

NM_000543.5(SMPD1):c.1566T>G (p.Asn522Lys)

Gene: SMPD1 (sphingomyelin phosphodiesterase 1; plus strand). Cytogenetic location: 11p15.4.
Variant type: single nucleotide variant.
Coding change: c.1566T>G on transcript NM_000543.5 (MANE Select); coding-DNA position 1566, T replaced by G.
Protein change: p.Asn522Lys; replaces asparagine 522 with lysine.
Molecular consequence: missense variant. On other transcripts: 3 prime UTR variant (1), non-coding transcript variant (2).
Genome position (GRCh38, 1-based): chr11:6,394,277, T>G. VCF-style: chr11-6394277-T-G. GRCh37 (hg19) VCF-style: chr11-6415507-T-G.
Other names: c.1563T>G, p.Asn521Lys (NM_001007593.3); c.*59T>G (NM_001318087.2); c.645T>G, p.Asn215Lys (NM_001318088.2); c.1434T>G, p.Asn478Lys (NM_001365135.2); short protein forms N522K, N215K, N478K, N521K.
Identifiers: ClinVar variation 500003 (VCV000500003.7), dbSNP rs1554935517, ClinGen allele CA379376274.

ClinVar aggregate classification (germline): Uncertain significance. Review status: criteria provided, multiple submitters, no conflicts (2 of 4 stars). 2 submissions from 2 submitters: Uncertain significance (2). Last evaluated 2025-01-24.

Submissions (2):

Women's Health and Genetics/Laboratory Corporation of America, LabCorp
Classification: Uncertain significance. Last evaluated: 2025-01-24. Review status: criteria provided, single submitter. Criteria: LabCorp Variant Classification Summary - May 2015. Collection method: clinical testing. Allele origin: germline.
Comment: Variant summary: SMPD1 c.1566T>G (p.Asn522Lys) results in a non-conservative amino acid change in the encoded protein sequence. Four of four in-silico tools predict a damaging effect of the variant on protein function. The frequency data for this variant in gnomAD is considered unreliable, as metrics indicate poor data quality at this position. c.1566T>G has been reported in the literature in a homozygous individual affected with Niemann-Pick Disease (Panigrahi_2019) and has been observed in unknown individual(s) with this disease (Almeida_2022). These data indicate that the variant may be associated with disease. To our knowledge, no experimental evidence demonstrating an impact on protein function has been reported. The following publications have been ascertained in the context of this evaluation (PMID: 35614200, 31139477). ClinVar contains an entry for this variant (Variation ID: 500003). Based on the evidence outlined above, the variant was classified as VUS-possibly pathogenic.

Eurofins Ntd Llc (ga)
Classification: Uncertain significance. Last evaluated: 2017-01-30. Review status: criteria provided, single submitter. Criteria: EGL Classification Definitions 2015. Collection method: clinical testing. Allele origin: germline. Observed: 1 variant allele, 1 homozygote.

Literature cited by the submitters: PubMed 31139477 (cited by Women's Health and Genetics/Laboratory Corporation of America, LabCorp); PubMed 35614200 (cited by Women's Health and Genetics/Laboratory Corporation of America, LabCorp).